The following is an entry in ClinVar:

ClinVar aggregate classification (germline): Uncertain significance. Review status: criteria provided, multiple submitters, no conflicts (2 of 4 stars). 2 submissions from 2 submitters: Uncertain significance (2). Last evaluated 2025-05-26.

Conditions:
Juvenile polyposis/hereditary hemorrhagic telangiectasia syndrome (JPHT). Also called: Juvenile Polyposis Syndrome / Hereditary Hemorrhagic Telangiectasia (JPS/HHT); JP/HHT SYNDROME; JUVENILE POLYPOSIS WITH HEREDITARY HEMORRHAGIC TELANGIECTASIA; POLYPOSIS, GENERALIZED JUVENILE, WITH PULMONARY ARTERIOVENOUS MALFORMATION; TELANGIECTASIA, HEREDITARY HEMORRHAGIC, WITH JUVENILE POLYPOSIS COLI. Identifiers: Orphanet 2929, MedGen C1832942, MONDO:0008278, OMIM 175050.

Allele frequency attached by ClinVar (database versions not stated): gnomAD exomes below 0.00001.
gnomAD v4.1: 1 of 1,614,122 alleles (0.000062%); highest among the groups gnomAD compares: Non-Finnish European, 0.000085%; no homozygotes.

Submissions (2):

Dasa
Classification: Uncertain significance. Last evaluated: 2025-05-26. Review status: criteria provided, single submitter. Criteria: DASA Assertion Criteria. Collection method: clinical testing. Allele origin: germline.
Comment: NM_005359.6(SMAD4):c.719T>G (p.Ile240Arg) is a missense variant that results in the substitution of isoleucine with arginine. This variant is rare in population databases. Computational prediction algorithms are consistent with a benign effect. The currently available literature and clinical evidence are not sufficient to establish a definitive association between this variant and the reported condition. Therefore, this variant is classified as a variant of uncertain significance.

Baylor Genetics
Classification: Uncertain significance for Juvenile polyposis/hereditary hemorrhagic telangiectasia syndrome. Last evaluated: 2023-11-18. Review status: criteria provided, single submitter. Criteria: ACMG Guidelines, 2015. Collection method: clinical testing. Allele origin: unknown.

NM_005359.6(SMAD4):c.719T>G (p.Ile240Arg)

Gene: SMAD4 (SMAD family member 4; plus strand). Cytogenetic location: 18q21.2.
Variant type: single nucleotide variant.
Coding change: c.719T>G on transcript NM_005359.6 (MANE Select); coding-DNA position 719, T replaced by G.
Protein change: p.Ile240Arg; replaces isoleucine 240 with arginine.
Molecular consequence: missense variant. On other transcripts: non-coding transcript variant (2).
Genome position (GRCh38, 1-based): chr18:51,058,176, T>G. VCF-style: chr18-51058176-T-G. GRCh37 (hg19) VCF-style: chr18-48584546-T-G.
Other names: c.719T>G, p.Ile240Arg (NM_001407041.1, NM_001407042.1, NM_001407043.1); short protein forms I240R.
Identifiers: ClinVar variation 3240523 (VCV003240523.3), dbSNP rs2144427085.